The following is an entry in ClinVar:

NM_020338.4(ZMIZ1):c.426-4294A>T

Genes: ZMIZ1 (zinc finger MIZ-type containing 1; plus strand), LOC128462388 (CRISPRi-FlowFISH-validated PPIF regulatory element GRCh37_chr10:81044989-81045489; plus strand). Cytogenetic location: 10q22.3.
Variant type: single nucleotide variant.
Coding change: c.426-4294A>T on transcript NM_020338.4 (MANE Select); 4294 bases into the intron before coding-DNA position 426, A replaced by T.
Molecular consequence: intron variant.
Genome position (GRCh38, 1-based): chr10:79,285,481, A>T. VCF-style: chr10-79285481-A-T. GRCh37 (hg19) VCF-style: chr10-81045238-A-T.
Identifiers: ClinVar variation 2640631 (VCV002640631.24), dbSNP rs190928871, ClinGen allele CA210204309.

ClinVar aggregate classification (germline): Benign (1 of 4 stars; one submission).

Allele frequency attached by ClinVar (database versions not stated): gnomAD 0.00003; TOPMed 0.00006; 1000 Genomes Project 30x 0.00016; 1000 Genomes Project 0.00020.
gnomAD v4.1: 18 of 456,054 alleles (0.0039%); highest among the groups gnomAD compares: East Asian, 0.13%; no homozygotes.

Submission:

CeGaT Center for Human Genetics Tuebingen
Classification: Benign. Last evaluated: 2022-10-01. Review status: criteria provided, single submitter. Criteria: CeGaT Center For Human Genetics Tuebingen Variant Classification Criteria Version 2. Collection method: clinical testing. Allele origin: germline. Affected: yes. Observed: 1 variant allele.
Comment: ZMIZ1: BS1, BS2